The following is an entry in ClinVar:

ClinVar aggregate classification (germline): Uncertain significance. Review status: criteria provided, multiple submitters, no conflicts (2 of 4 stars). 3 submissions from 3 submitters: Uncertain significance (3). Last evaluated 2026-09-22.

Conditions:
RDH5-related disorder. Also called: RDH5-related condition.
Inborn genetic diseases. Identifiers: MedGen C0950123, MeSH D030342.

Allele frequency attached by ClinVar (database versions not stated): gnomAD 0.00001; gnomAD exomes below 0.00001; TOPMed 0.00001.
gnomAD v4.1: 3 of 1,614,098 alleles (0.00019%); highest among the groups gnomAD compares: Non-Finnish European, 0.00025%; no homozygotes.

Submissions (3):

PreventionGenetics, part of Exact Sciences
Classification: Uncertain significance for RDH5-related condition. Last evaluated: 2026-09-22. Review status: criteria provided, single submitter. Criteria: ACMG Guidelines, 2015. Collection method: clinical testing. Allele origin: germline.
Comment: The RDH5 c.811G>A variant is predicted to result in the amino acid substitution p.Ala271Thr. To our knowledge, this variant has not been reported in the literature. This variant is reported in 0.00077% of alleles in individuals of European (non-Finnish) descent in gnomAD and is interpreted as uncertain in ClinVar. At this time, the clinical significance of this variant is uncertain due to the absence of conclusive functional and genetic evidence.

Ambry Genetics
Classification: Uncertain significance for Inborn genetic diseases. Last evaluated: 2025-08-13. Review status: criteria provided, single submitter. Criteria: Ambry Variant Classification Scheme 2023. Collection method: clinical testing. Allele origin: germline.

Labcorp Genetics (formerly Invitae), Labcorp
Classification: Uncertain significance. Last evaluated: 2022-08-09. Review status: criteria provided, single submitter. Criteria: Invitae Variant Classification Sherloc (09022015). Collection method: clinical testing. Allele origin: germline.
Comment: This sequence change replaces alanine, which is neutral and non-polar, with threonine, which is neutral and polar, at codon 271 of the RDH5 protein (p.Ala271Thr). This variant is present in population databases (no rsID available, gnomAD 0.002%). This variant has not been reported in the literature in individuals affected with RDH5-related conditions. Algorithms developed to predict the effect of missense changes on protein structure and function are either unavailable or do not agree on the potential impact of this missense change (SIFT: "Deleterious"; PolyPhen-2: "Probably Damaging"; Align-GVGD: "Class C0"). In summary, the available evidence is currently insufficient to determine the role of this variant in disease. Therefore, it has been classified as a Variant of Uncertain Significance.

NM_002905.5(RDH5):c.811G>A (p.Ala271Thr)

Genes: CD63 (CD63 molecule; minus strand), RDH5 (retinol dehydrogenase 5; plus strand), BLOC1S1-RDH5 (BLOC1S1-RDH5 readthrough; plus strand). Cytogenetic location: 12q13.2.
Variant type: single nucleotide variant.
Coding change: c.811G>A on transcript NM_002905.5 (MANE Select); coding-DNA position 811, G replaced by A.
Protein change: p.Ala271Thr; replaces alanine 271 with threonine.
Molecular consequence: missense variant. On other transcripts: 3 prime UTR variant (2), non-coding transcript variant (1).
Genome position (GRCh38, 1-based): chr12:55,724,399, G>A. VCF-style: chr12-55724399-G-A. GRCh37 (hg19) VCF-style: chr12-56118183-G-A.
Other names: c.811G>A, p.Ala271Thr (NM_001199771.3); c.*665C>T (NM_001413284.1); c.*680C>T (NM_001413285.1); short protein forms A271T.
Identifiers: ClinVar variation 2073771 (VCV002073771.3), dbSNP rs1313723934, ClinGen allele CA385203242.